The following is an entry in ClinVar:

NM_003865.3(HESX1):c.25G>A (p.Ala9Thr)

Gene: HESX1 (HESX homeobox 1; minus strand). Cytogenetic location: 3p14.3.
Variant type: single nucleotide variant.
Coding change: c.25G>A on transcript NM_003865.3 (MANE Select); coding-DNA position 25, G replaced by A.
Protein change: p.Ala9Thr; replaces alanine 9 with threonine.
Molecular consequence: missense variant.
Genome position (GRCh38, 1-based): chr3:57,199,894, C>T on the plus strand (G>A on the coding strand, the complement: HESX1 is on the minus strand). VCF-style: chr3-57199894-C-T. GRCh37 (hg19) VCF-style: chr3-57233922-C-T.
Other names: c.25G>A, p.Ala9Thr (NM_001376058.1, NM_001376059.1, NM_001376060.1 and 1 more transcripts); short protein forms A9T.
Identifiers: ClinVar variation 1953457 (VCV001953457.5), dbSNP rs763261432, ClinGen allele CA2463343.

ClinVar aggregate classification (germline): Uncertain significance (1 of 4 stars; one submission).

Conditions:
Septo-optic dysplasia sequence (SOD). Also called: DE MORSIER SYNDROME; Septo-optic dysplasia. Identifiers: Orphanet 3157, MedGen C0338503, MONDO:0008428, OMIM 182230, HP:0100842.
GROWTH HORMONE DEFICIENCY WITH PITUITARY ANOMALIES. Identifiers: MedGen C2750027, OMIM 182230.

Allele frequency attached by ClinVar (database versions not stated): gnomAD exomes 0.00001; ExAC 0.00002.
gnomAD v4.1: 18 of 1,613,980 alleles (0.0011%); highest among the groups gnomAD compares: South Asian, 0.013%; no homozygotes.

Submission:

Labcorp Genetics (formerly Invitae), Labcorp
Classification: Uncertain significance for GROWTH HORMONE DEFICIENCY WITH PITUITARY ANOMALIES; Septo-optic dysplasia sequence. Last evaluated: 2025-07-28. Review status: criteria provided, single submitter. Criteria: Invitae Variant Classification Sherloc (09022015). Collection method: clinical testing. Allele origin: germline.
Comment: This sequence change replaces alanine, which is neutral and non-polar, with threonine, which is neutral and polar, at codon 9 of the HESX1 protein (p.Ala9Thr). This variant is present in population databases (rs763261432, gnomAD 0.02%). This missense change has been observed in individual(s) with clinical features of HESX1-related conditions (PMID: 27343026). ClinVar contains an entry for this variant (Variation ID: 1953457). An algorithm developed to predict the effect of missense changes on protein structure and function (PolyPhen-2) suggests that this variant is likely to be tolerated. In summary, the available evidence is currently insufficient to determine the role of this variant in disease. Therefore, it has been classified as a Variant of Uncertain Significance.

Literature cited by the submitters: PubMed 27343026.